The following is an entry in ClinVar:

ClinVar aggregate classification (germline): Likely benign (1 of 4 stars; one submission).

Allele frequency attached by ClinVar (database versions not stated): TOPMed 0.00003.
gnomAD v4.1: 5 of 1,549,450 alleles (0.00032%); highest among the groups gnomAD compares: East Asian, 0.0024%; no homozygotes.

Submission:

CeGaT Center for Human Genetics Tuebingen
Classification: Likely benign. Last evaluated: 2024-02-01. Review status: criteria provided, single submitter. Criteria: CeGaT Center For Human Genetics Tuebingen Variant Classification Criteria Version 2. Collection method: clinical testing. Allele origin: germline. Affected: yes. Observed: 1 variant allele.
Comment: OTOG: PM2:Supporting, BP4, BP7

NM_001292063.2(OTOG):c.6132C>T (p.Ala2044=)

Gene: OTOG (otogelin; plus strand). Cytogenetic location: 11p15.1.
Variant type: single nucleotide variant.
Coding change: c.6132C>T on transcript NM_001292063.2 (MANE Select); coding-DNA position 6132, C replaced by T.
Protein change: p.Ala2044=; no amino-acid change (alanine 2044 retained).
Molecular consequence: synonymous variant.
Genome position (GRCh38, 1-based): chr11:17,612,170, C>T. VCF-style: chr11-17612170-C-T. GRCh37 (hg19) VCF-style: chr11-17633717-C-T.
Other names: c.6168C>T, p.Ala2056= (NM_001277269.2).
Identifiers: ClinVar variation 3025813 (VCV003025813.22), dbSNP rs935529251, ClinGen allele CA218478129.